The following is an entry in ClinVar:

ClinVar aggregate classification (germline): Pathogenic (1 of 4 stars; one submission).

Conditions:
Muscular dystrophy-dystroglycanopathy (congenital with impaired intellectual development), type B, 1. Also called: MUSCULAR DYSTROPHY, CONGENITAL, POMT1-RELATED; Muscular dystrophy-dystroglycanopathy (congenital with intellectual disability), type B1. Identifiers: MedGen C5436962, MONDO:0013159, OMIM 613155.
Walker-Warburg congenital muscular dystrophy. Also called: Muscular dystrophy-dystroglycanopathy, type A; Walker-Warburg syndrome. Identifiers: Orphanet 899, MedGen C0265221, MONDO:0000171.
Autosomal recessive limb-girdle muscular dystrophy type 2K. Also called: MUSCULAR DYSTROPHY-DYSTROGLYCANOPATHY (LIMB-GIRDLE), TYPE C, 1; MUSCULAR DYSTROPHY, LIMB-GIRDLE, TYPE 2K. Identifiers: Orphanet 86812, MedGen C1836373, MONDO:0012248, OMIM 609308.

Submission:

Labcorp Genetics (formerly Invitae), Labcorp
Classification: Pathogenic for Muscular dystrophy-dystroglycanopathy (congenital with impaired intellectual development), type B, 1; Walker-Warburg congenital muscular dystrophy; Autosomal recessive limb-girdle muscular dystrophy type 2K. Last evaluated: 2024-11-27. Review status: criteria provided, single submitter. Criteria: Invitae Variant Classification Sherloc (09022015). Collection method: clinical testing. Allele origin: germline.
Comment: This sequence change creates a premature translational stop signal (p.Cys199Valfs*36) in the POMT1 gene. It is expected to result in an absent or disrupted protein product. Loss-of-function variants in POMT1 are known to be pathogenic (PMID: 12369018, 15637732, 16575835). This variant is not present in population databases (gnomAD no frequency). This variant has not been reported in the literature in individuals affected with POMT1-related conditions. Algorithms developed to predict the effect of sequence changes on RNA splicing suggest that this variant may disrupt the consensus splice site. For these reasons, this variant has been classified as Pathogenic.

Literature cited by the submitters: PubMed 12369018; PubMed 15637732; PubMed 16575835.

NM_001077365.2(POMT1):c.594del (p.Cys199fs)

Gene: POMT1 (protein O-mannosyltransferase 1; plus strand). Cytogenetic location: 9q34.13.
Variant type: Deletion.
Coding change: c.594del on transcript NM_001077365.2 (MANE Select); coding-DNA position 594, one base deleted (C; older notation c.594delC).
Protein change: p.Cys199fs; shifts the reading frame from cysteine 199.
Molecular consequence: frameshift variant. On other transcripts: 5 prime UTR variant (1), non-coding transcript variant (10).
Genome position (GRCh38, 1-based): chr9:131,509,797, C deleted; the last of 2 consecutive C bases (chr9:131,509,796-131,509,797); deleting either gives the same sequence. VCF-style (leftmost placement, unchanged base first): chr9-131509795-TC-T. GRCh37 (hg19) VCF-style: chr9-134385182-TC-T.
Other names: c.243del, p.Cys82fs (NM_001353199.2, NM_001374691.1, NM_001374692.1 and 2 more transcripts); c.138del, p.Cys47fs (NM_001353200.2, NM_001374695.1); c.432del, p.Cys145fs (NM_001374689.1, NM_001374693.1, NM_001077366.2 and 3 more transcripts); c.594del, p.Cys199fs (NM_001374690.1, NM_007171.4, NM_001136113.2 and 1 more transcripts); c.-543del (NM_001411024.1); c.504del, p.Cys169fs (NM_001353196.2); short protein forms C145fs, C169fs, C199fs, C47fs, C82fs.
Identifiers: ClinVar variation 3760211 (VCV003760211.2).